The following is an entry in ClinVar:

NM_000257.4(MYH7):c.4018T>C (p.Cys1340Arg)

Gene: MYH7 (myosin heavy chain 7; minus strand). Cytogenetic location: 14q11.2.
Variant type: single nucleotide variant.
Coding change: c.4018T>C on transcript NM_000257.4 (MANE Select); coding-DNA position 4018, T replaced by C.
Protein change: p.Cys1340Arg; replaces cysteine 1340 with arginine.
Molecular consequence: missense variant.
Genome position (GRCh38, 1-based): chr14:23,418,361, A>G on the plus strand (T>C on the coding strand, the complement: MYH7 is on the minus strand). VCF-style: chr14-23418361-A-G. GRCh37 (hg19) VCF-style: chr14-23887570-A-G.
Other names: c.4018T>C, p.Cys1340Arg (NM_001407004.1); short protein forms C1340R.
Identifiers: ClinVar variation 4082716 (VCV004082716.1).

ClinVar aggregate classification (germline): Uncertain significance (1 of 4 stars; one submission).

gnomAD v4.1: 1 of 1,613,706 alleles (0.000062%); highest among the groups gnomAD compares: Non-Finnish European, 0.000085%; no homozygotes.

Submission:

GeneDx
Classification: Uncertain significance. Last evaluated: 2025-02-28. Review status: criteria provided, single submitter. Criteria: GeneDx Variant Classification Process June 2021. Collection method: clinical testing. Allele origin: germline. Affected: yes.
Comment: Not observed at significant frequency in large population cohorts (gnomAD); In silico analysis supports that this missense variant has a deleterious effect on protein structure/function; Has not been previously published as pathogenic or benign to our knowledge; No functional domains found for this variant.